The following is an entry in ClinVar:

ClinVar aggregate classification (germline): Uncertain significance. Review status: criteria provided, multiple submitters, no conflicts (2 of 4 stars). 2 submissions from 2 submitters: Uncertain significance (2). Last evaluated 2020-04-28.

Conditions:
Absence seizure. Also called: Absence epilepsy. Identifiers: Orphanet 1941, MedGen C0014553.
Myoclonic epilepsy, juvenile, susceptibility to, 1. Also called: Myoclonic Epilepsy, Juvenile, 1; EJM1. Identifiers: MedGen C1850778, MONDO:0020752, OMIM 254770.

Allele frequency attached by ClinVar (database versions not stated): gnomAD exomes below 0.00001 and 0.00003; TOPMed below 0.00001; gnomAD 0.00001.
gnomAD v4.1: 37 of 1,614,076 alleles (0.0023%); highest among the groups gnomAD compares: Middle Eastern, 0.049%; no homozygotes.

Submissions (2):

Labcorp Genetics (formerly Invitae), Labcorp
Classification: Uncertain significance for Myoclonic epilepsy, juvenile, susceptibility to, 1; Absence seizure. Last evaluated: 2020-04-28. Review status: criteria provided, single submitter. Criteria: Invitae Variant Classification Sherloc (09022015). Collection method: clinical testing. Allele origin: germline.
Comment: Algorithms developed to predict the effect of sequence changes on RNA splicing suggest that this variant may create or strengthen a splice site, but this prediction has not been confirmed by published transcriptional studies. This variant has not been reported in the literature in individuals with EFHC1-related conditions. This variant is not present in population databases (ExAC no frequency). This sequence change affects codon 22 of the EFHC1 mRNA. It is a 'silent' change, meaning that it does not change the encoded amino acid sequence of the EFHC1 protein. In summary, the available evidence is currently insufficient to determine the role of this variant in disease. Therefore, it has been classified as a Variant of Uncertain Significance.

Breakthrough Genomics
Classification: Uncertain significance. Review status: criteria provided, single submitter. Criteria: ACMG Guidelines, 2015. Collection method: not provided. Allele origin: germline. Inheritance: Autosomal dominant inheritance. Affected: yes.

NM_018100.4(EFHC1):c.66A>G (p.Lys22=)

Gene: EFHC1 (EF-hand domain containing 1; plus strand). Cytogenetic location: 6p12.2.
Variant type: single nucleotide variant.
Coding change: c.66A>G on transcript NM_018100.4 (MANE Select); coding-DNA position 66, A replaced by G.
Protein change: p.Lys22=; no amino-acid change (lysine 22 retained).
Molecular consequence: synonymous variant. On other transcripts: non-coding transcript variant (1).
Genome position (GRCh38, 1-based): chr6:52,423,948, A>G. VCF-style: chr6-52423948-A-G. GRCh37 (hg19) VCF-style: chr6-52288746-A-G.
Other names: c.9A>G, p.Lys3= (NM_001172420.2).
Identifiers: ClinVar variation 1034556 (VCV001034556.11), dbSNP rs1286302392, ClinGen allele CA450423129.